The following is an entry in ClinVar:

NM_152564.5(VPS13B):c.8881C>T (p.Leu2961=)

Gene: VPS13B (vacuolar protein sorting 13 homolog B; plus strand). Cytogenetic location: 8q22.2.
Variant type: single nucleotide variant.
Coding change: c.8881C>T on transcript NM_152564.5 (MANE Select); coding-DNA position 8881, C replaced by T.
Protein change: p.Leu2961=; no amino-acid change (leucine 2961 retained).
Molecular consequence: synonymous variant.
Genome position (GRCh38, 1-based): chr8:99,820,009, C>T. VCF-style: chr8-99820009-C-T. GRCh37 (hg19) VCF-style: chr8-100832237-C-T.
Other names: c.8881C>T (NM_152564.4); c.8956C>T, p.Leu2986= (NM_017890.5).
Identifiers: ClinVar variation 1049463 (VCV001049463.10), dbSNP rs773387480, ClinGen allele CA4824585.

ClinVar aggregate classification (germline): Likely benign. Review status: criteria provided, single submitter (1 of 4 stars). 3 submissions from 3 submitters: Likely benign (1). 2 of the submissions do not count toward it. Last evaluated 2026-01-11.

Conditions:
VPS13B-related disorder. Also called: VPS13B-related condition.
Cohen syndrome (COH1). Also called: PEPPER SYNDROME; Cutis verticis gyrata, retinitis pigmentosa, and sensorineural deafness. Identifiers: Orphanet 193, MedGen C0265223, MONDO:0008999, OMIM 216550.

Allele frequency attached by ClinVar (database versions not stated): gnomAD exomes 0.00001; ExAC 0.00002.
gnomAD v4.1: 9 of 1,614,066 alleles (0.00056%); highest among the groups gnomAD compares: Non-Finnish European, 0.00068%; no homozygotes.

Submissions (3):

Labcorp Genetics (formerly Invitae), Labcorp
Classification: Likely benign for Cohen syndrome. Last evaluated: 2026-01-11. Review status: criteria provided, single submitter. Criteria: Invitae Variant Classification Sherloc (09022015). Collection method: clinical testing. Allele origin: germline.

PreventionGenetics, part of Exact Sciences
Classification: Likely benign for VPS13B-related condition. Last evaluated: 2024-09-19. Review status: no assertion criteria provided. Collection method: clinical testing. Allele origin: germline. Not counted in ClinVar's aggregate classification.
Comment: This variant is classified as likely benign based on ACMG/AMP sequence variant interpretation guidelines (Richards et al. 2015 PMID: 25741868, with internal and published modifications).

Department of Pathology and Laboratory Medicine, Sinai Health System
Classification: Uncertain significance. Review status: no assertion criteria provided. Collection method: clinical testing. Allele origin: unknown. Affected: yes. Study: The Canadian Open Genetics Repository (COGR). Not counted in ClinVar's aggregate classification.